The following is an entry in ClinVar:

Conditions:
Long QT syndrome 5 (LQT5). Identifiers: Orphanet 101016, Orphanet 768, MedGen C1867904, MONDO:0013372, OMIM 613695.

Submission:

Roden Lab, Vanderbilt University Medical Center
No classification provided (evidence only). Condition: Long QT syndrome 5. Review status: no classification provided. Collection method: in vitro. Allele origin: not applicable. Functional consequence: Effect on ion channel function.
ClinVar note: "not provided" was previously submitted as the classification for the variant. However, the classification appeared to be based only on an observation of functional data so it was converted to no classification on 2025-07-30.

NM_000219.6(KCNE1):c.92C>G (p.Ala31Gly)

Gene: KCNE1 (potassium voltage-gated channel subfamily E regulatory subunit 1; minus strand). Cytogenetic location: 21q22.12.
Variant type: single nucleotide variant.
Coding change: c.92C>G on transcript NM_000219.6 (MANE Select); coding-DNA position 92, C replaced by G.
Protein change: p.Ala31Gly; replaces alanine 31 with glycine.
Molecular consequence: missense variant.
Genome position (GRCh38, 1-based): chr21:34,449,543, G>C on the plus strand (C>G on the coding strand, the complement: KCNE1 is on the minus strand). VCF-style: chr21-34449543-G-C. GRCh37 (hg19) VCF-style: chr21-35821841-G-C.
Other names: c.92C>G, p.Ala31Gly (NM_001127668.4, NM_001127669.4, NM_001127670.4 and 4 more transcripts); short protein forms A31G.
Identifiers: ClinVar variation 3374026 (VCV003374026.2).
Genomic context (GRCh38, chr21:34,449,543, plus strand): 5'-AGTACCATGAGGACGTAGAGGGCCTCCAGCTTGCCGTCACTGCTGCGGGGGGACCTGCGG[G>C]CCAGGCCCGACATGTTGCCACCCTGCTGAACTGTCTCCTGCCACAGCTTGGTCAGAAAGG-3'
Protein context (NP_000210.2, residues 21-41): VQQGGNMSGL[Ala31Gly]RRSPRSSDGK